The following is an entry in ClinVar:

ClinVar aggregate classification (germline): Uncertain significance (1 of 4 stars; one submission).

gnomAD v4.1: 19 of 1,614,072 alleles (0.0012%); highest among the groups gnomAD compares: South Asian, 0.0077%; no homozygotes.

Submission:

Ambry Genetics
Classification: Uncertain significance. Last evaluated: 2026-07-02. Review status: criteria provided, single submitter. Criteria: Ambry Variant Classification Scheme 2023. Collection method: clinical testing. Allele origin: germline.
Comment: The c.1819G>A (p.E607K) alteration is located in exon 14 (coding exon 13) of the CABIN1 gene. This alteration results from a G to A substitution at nucleotide position 1819, causing the glutamic acid (E) at amino acid position 607 to be replaced by a lysine (K). Based on data from gnomAD, the A allele has an overall frequency of 0.002% (5/251494) total alleles studied. The highest observed frequency was 0.009% (3/34592) of Latino alleles. Based on insufficient or conflicting evidence, the clinical significance of this alteration remains unclear.

NM_012295.4(CABIN1):c.1819G>A (p.Glu607Lys)

Gene: CABIN1 (calcineurin binding protein 1; plus strand). Cytogenetic location: 22q11.23.
Variant type: single nucleotide variant.
Coding change: c.1819G>A on transcript NM_012295.4 (MANE Select); coding-DNA position 1819, G replaced by A.
Protein change: p.Glu607Lys; replaces glutamic acid 607 with lysine.
Molecular consequence: missense variant.
Genome position (GRCh38, 1-based): chr22:24,063,081, G>A. VCF-style: chr22-24063081-G-A. GRCh37 (hg19) VCF-style: chr22-24459544-G-A.
Other names: c.1819G>A, p.Glu607Lys (NM_001199281.1); c.1669G>A, p.Glu557Lys (NM_001201429.2); short protein forms E557K, E607K.
Identifiers: ClinVar variation 5033568 (VCV005033568.1).
Genomic context (GRCh38, chr22:24,063,081, plus strand): 5'-ACCCACTGCCTGGGTGACCTCCTACAGCTGTCATTTGCCTCGTCCCAGCGCGACCTGTTC[G>A]AGGATGGTTGGCTGGAGTTTGTGGTCCGTGTTTACTGGCTGAAGGCTCGCTTCCTGGCGC-3'
Protein context (NP_036427.1, residues 597-617): SFASSQRDLF[Glu607Lys]DGWLEFVVRV